The following is an entry in ClinVar:

ClinVar aggregate classification (germline): Conflicting classifications of pathogenicity. Review status: criteria provided, conflicting classifications (1 of 4 stars). 2 submissions from 2 submitters: Uncertain significance (1); Likely benign (1). Last evaluated 2026-07-01.

Allele frequency attached by ClinVar (database versions not stated): ExAC 0.00001; TOPMed 0.00001; gnomAD 0.00003; gnomAD exomes 0.00007.
gnomAD v4.1: 76 of 1,208,174 alleles (0.0063%); highest among the groups gnomAD compares: South Asian, 0.012%; no homozygotes.

Submissions (2):

CeGaT Center for Human Genetics Tuebingen
Classification: Likely benign. Last evaluated: 2026-07-01. Review status: criteria provided, single submitter. Criteria: CeGaT Center For Human Genetics Tuebingen Variant Classification Criteria Version 2. Collection method: clinical testing. Allele origin: germline. Affected: yes. Observed: 1 variant allele.
Comment: WNK3: BP4, BS2

Ambry Genetics
Classification: Uncertain significance. Last evaluated: 2022-06-30. Review status: criteria provided, single submitter. Criteria: Ambry Variant Classification Scheme 2023. Collection method: clinical testing. Allele origin: germline.

NM_020922.5(WNK3):c.1916C>T (p.Pro639Leu)

Gene: WNK3 (WNK lysine deficient protein kinase 3; minus strand). Cytogenetic location: Xp11.22.
Variant type: single nucleotide variant.
Coding change: c.1916C>T on transcript NM_020922.5 (MANE Select); coding-DNA position 1916, C replaced by T.
Protein change: p.Pro639Leu; replaces proline 639 with leucine.
Molecular consequence: missense variant.
Genome position (GRCh38, 1-based): chrX:54,293,009, G>A on the plus strand (C>T on the coding strand, the complement: WNK3 is on the minus strand). VCF-style: chrX-54293009-G-A. GRCh37 (hg19) VCF-style: chrX-54319442-G-A.
Other names: c.1916C>T, p.Pro639Leu (NM_001002838.4, NM_001395166.1); short protein forms P639L.
Identifiers: ClinVar variation 2389605 (VCV002389605.3), dbSNP rs782328561, ClinGen allele CA10424543.
Genomic context (GRCh38, chrX:54,293,009, plus strand): 5'-GGTCCAAGGACATGTACAGGTAAAACAGTGGACTGACCTTGAACCAAAGGCAAAATCTGC[G>A]GCTGAGTCAGCTTTGAATGCTTCTGTAACTGTTAAAATAAGGGGAAAAAAAGATTAAAGA-3'
Protein context (NP_065973.2, residues 629-649): GLQKHSKLTQ[Pro639Leu]QILPLVQGQS